The following is an entry in ClinVar:

NM_000027.4(AGA):c.376C>G (p.Leu126Val)

Gene: AGA (aspartylglucosaminidase; minus strand). Cytogenetic location: 4q34.3.
Variant type: single nucleotide variant.
Coding change: c.376C>G on transcript NM_000027.4 (MANE Select); coding-DNA position 376, C replaced by G.
Protein change: p.Leu126Val; replaces leucine 126 with valine.
Molecular consequence: missense variant. On other transcripts: non-coding transcript variant (1).
Genome position (GRCh38, 1-based): chr4:177,439,594, G>C on the plus strand (C>G on the coding strand, the complement: AGA is on the minus strand). VCF-style: chr4-177439594-G-C. GRCh37 (hg19) VCF-style: chr4-178360748-G-C.
Other names: c.376C>G, p.Leu126Val (NM_001171988.2); short protein forms L126V.
Identifiers: ClinVar variation 650146 (VCV000650146.11), dbSNP rs200420067, ClinGen allele CA3146942.

ClinVar aggregate classification (germline): Uncertain significance. Review status: criteria provided, multiple submitters, no conflicts (2 of 4 stars). 7 submissions from 7 submitters: Uncertain significance (5). 2 of the submissions do not count toward it. Last evaluated 2024-11-11.

Conditions:
Aspartylglucosaminuria (AGU). Also called: AGA DEFICIENCY; GLYCOASPARAGINASE; GLYCOSYLASPARAGINASE DEFICIENCY; Aspartylglucos-aminuria; Aspartylglucos-amidase (AGA) deficiency. Identifiers: Orphanet 93, MedGen C0268225, MONDO:0008830, OMIM 208400, HP:0012068.
Neurodevelopmental disorder. Identifiers: MedGen C1535926, MeSH D065886, MONDO:0700092.
Intellectual disability. Also called: Intellectual functioning disability; intellectual disabilities; Intellectual developmental disorder. Identifiers: MedGen C3714756, MeSH D008607, MONDO:0001071, HP:0001249.

Allele frequency attached by ClinVar (database versions not stated): ExAC 0.00023; gnomAD exomes 0.00023 and 0.00037; ESP Exome Variant Server 0.00054; gnomAD 0.00074 and 0.00078; TOPMed 0.00080; 1000 Genomes Project 30x 0.00094; 1000 Genomes Project 0.00100.
gnomAD v4.1: 500 of 1,612,354 alleles (0.031%); highest among the groups gnomAD compares: Admixed American, 0.17%; no homozygotes.

Submissions (7):

Blueprint Genetics
Classification: Uncertain significance. Last evaluated: 2024-11-11. Review status: criteria provided, single submitter. Criteria: ACMG Guidelines, 2015. Collection method: clinical testing. Allele origin: germline.

Labcorp Genetics (formerly Invitae), Labcorp
Classification: Uncertain significance for Aspartylglucosaminuria. Last evaluated: 2022-11-01. Review status: criteria provided, single submitter. Criteria: Invitae Variant Classification Sherloc (09022015). Collection method: clinical testing. Allele origin: germline.
Comment: This sequence change replaces leucine, which is neutral and non-polar, with valine, which is neutral and non-polar, at codon 126 of the AGA protein (p.Leu126Val). This variant is present in population databases (rs200420067, gnomAD 0.1%). This variant has not been reported in the literature in individuals affected with AGA-related conditions. ClinVar contains an entry for this variant (Variation ID: 650146). Advanced modeling of protein sequence and biophysical properties (such as structural, functional, and spatial information, amino acid conservation, physicochemical variation, residue mobility, and thermodynamic stability) performed at Invitae indicates that this missense variant is not expected to disrupt AGA protein function. In summary, the available evidence is currently insufficient to determine the role of this variant in disease. Therefore, it has been classified as a Variant of Uncertain Significance.

Laboratory of Molecular Genetics (Pr. Bezieau's lab), CHU de Nantes
Classification: Uncertain significance for Neurodevelopmental disorder. Last evaluated: 2022-05-25. Review status: criteria provided, single submitter. Criteria: ACMG Guidelines, 2015. Collection method: clinical testing. Allele origin: germline. Affected: yes.

Fulgent Genetics
Classification: Uncertain significance for Aspartylglucosaminuria. Last evaluated: 2022-04-07. Review status: criteria provided, single submitter. Criteria: ACMG Guidelines, 2015. Collection method: clinical testing. Allele origin: unknown.

Illumina Laboratory Services, Illumina
Classification: Uncertain significance for Aspartylglucosaminuria. Last evaluated: 2017-04-28. Review status: criteria provided, single submitter. Criteria: ICSL Variant Classification Criteria 13 December 2019. Collection method: clinical testing. Allele origin: germline.
Comment: This variant was observed as part of a predisposition screen in an ostensibly healthy population. A literature search was performed for the gene, cDNA change, and amino acid change (where applicable). Publications were found based on this search. However, the evidence from the literature, in combination with allele frequency data from public databases where available, was not sufficient to rule this variant in or out of causing disease. Therefore, this variant is classified as a variant of unknown significance.

Natera, Inc.
Classification: Uncertain significance for Aspartylglucosaminuria. Last evaluated: 2020-04-16. Review status: no assertion criteria provided. Collection method: clinical testing. Allele origin: germline. Not counted in ClinVar's aggregate classification.

Centre de Biologie Pathologie Génétique, Centre Hospitalier Universitaire de Lille
Classification: Likely benign for Intellectual disability. Last evaluated: 2019-01-01. Review status: no assertion criteria provided. Collection method: clinical testing. Allele origin: inherited. Affected: yes. Not counted in ClinVar's aggregate classification.

Literature cited by the submitters: PubMed 1722323 (cited by Illumina Laboratory Services, Illumina); PubMed 18992224 (cited by Illumina Laboratory Services, Illumina); PubMed 9737998 (cited by Illumina Laboratory Services, Illumina); PubMed 25456816 (cited by Illumina Laboratory Services, Illumina); PubMed 11309371 (cited by Illumina Laboratory Services, Illumina).